The following is an entry in ClinVar:

NM_182972.3(IRF2BP2):c.1007T>G (p.Leu336Trp)

Genes: IRF2BP2 (interferon regulatory factor 2 binding protein 2; minus strand), LOC129932810 (ATAC-STARR-seq lymphoblastoid active region 2760; plus strand). Cytogenetic location: 1q42.3.
Variant type: single nucleotide variant.
Coding change: c.1007T>G on transcript NM_182972.3 (MANE Select); coding-DNA position 1007, T replaced by G.
Protein change: p.Leu336Trp; replaces leucine 336 with tryptophan.
Molecular consequence: missense variant. On other transcripts: intron variant (1).
Genome position (GRCh38, 1-based): chr1:234,608,488, A>C on the plus strand (T>G on the coding strand, the complement: IRF2BP2 is on the minus strand). VCF-style: chr1-234608488-A-C. GRCh37 (hg19) VCF-style: chr1-234744234-A-C.
Other names: c.1000+7T>G (NM_001077397.1); c.1007T>G (NM_182972.2); short protein forms L336W.
Identifiers: ClinVar variation 3699591 (VCV003699591.3).

ClinVar aggregate classification (germline): Uncertain significance. Review status: criteria provided, multiple submitters, no conflicts (2 of 4 stars). 2 submissions from 2 submitters: Uncertain significance (2). Last evaluated 2025-03-31.

gnomAD v4.1: 19 of 1,603,804 alleles (0.0012%); highest among the groups gnomAD compares: East Asian, 0.0067%; no homozygotes.

Submissions (2):

Labcorp Genetics (formerly Invitae), Labcorp
Classification: Uncertain significance. Last evaluated: 2025-03-31. Review status: criteria provided, single submitter. Criteria: Invitae Variant Classification Sherloc (09022015). Collection method: clinical testing. Allele origin: germline.
Comment: This sequence change replaces leucine, which is neutral and non-polar, with tryptophan, which is neutral and slightly polar, at codon 336 of the IRF2BP2 protein (p.Leu336Trp). This variant is present in population databases (rs757682735, gnomAD 0.005%). This variant has not been reported in the literature in individuals affected with IRF2BP2-related conditions. An algorithm developed to predict the effect of missense changes on protein structure and function (PolyPhen-2) suggests that this variant is likely to be tolerated. In summary, the available evidence is currently insufficient to determine the role of this variant in disease. Therefore, it has been classified as a Variant of Uncertain Significance.

Ambry Genetics
Classification: Uncertain significance. Last evaluated: 2025-03-20. Review status: criteria provided, single submitter. Criteria: Ambry Variant Classification Scheme 2023. Collection method: clinical testing. Allele origin: germline.